The following is an entry in ClinVar:

ClinVar aggregate classification (germline): Uncertain significance (1 of 4 stars; one submission).

Submission:

GeneDx
Classification: Uncertain significance. Last evaluated: 2018-01-18. Review status: criteria provided, single submitter. Criteria: GeneDx Variant Classification (06012015). Collection method: clinical testing. Allele origin: germline. Affected: yes.
Comment: The c.5576_5577delCCinsAG variant of uncertain significance in the ZNF469 gene has not been published as pathogenic or been reported as benign to our knowledge. This variant is not observed in large population cohorts (Lek et al., 2016). The c.5576_5577delCCinsAG variant results in an in-frame deletion of a threonine residue and insertion of a lysine residue at position 1859 of the ZNF469 gene, denoted p.Thr1859Lys (T1859K). The T1859K variant is a semi-conservative amino acid substitution, which may impact secondary protein structure as these residues differ in some properties. Nevertheless, in-silico analyses, including protein predictors and evolutionary conservation, support that this variant does not alter protein structure/function. Therefore, based on the currently available information, it is unclear whether this variant is pathogenic or rare benign.

NM_001127464.2(ZNF469):c.5576_5577delCCinsAG (p.Thr1859Lys)

Gene: ZNF469 (zinc finger protein 469; plus strand). Cytogenetic location: 16q24.2.
Variant type: Indel.
Coding change: c.5576_5577delCCinsAG on transcript NM_001127464.2; coding-DNA positions 5576 to 5577, 2 bases deleted.
Protein change: p.Thr1859Lys; replaces threonine 1859 with lysine.
Molecular consequence: missense variant (on NM_001367624.2).
Genome position: GRCh38 VCF-style: chr16-88433130-CC-AG. GRCh37 (hg19) VCF-style: chr16-88499538-CC-AG.
Other names: c.5660_5661delinsAG, p.Thr1887Lys (NM_001367624.2); short protein forms T1887K.
Identifiers: ClinVar variation 504119 (VCV000504119.1), dbSNP rs1555519640, ClinGen allele CA658798651.
Genomic context (GRCh38, chr16:88,433,130, plus strand): 5'-CCCCCCGGGGCAGGGAGGCTTGGTTGGTCCCTGTGCCAAGTCCCGCCTGTGTATCCAACA[CC>AG]CACCCTAGCAGGAGGTCCCAGGACCCAGCTTTGAGCCCCCCCATACGTCAGCTCCAGCTC-3'